The following is an entry in ClinVar:

ClinVar aggregate classification (germline): Pathogenic (1 of 4 stars; one submission).

Conditions:
Microcephalic primordial dwarfism due to RTTN deficiency (MSSP). Also called: Microcephaly, short stature, and polymicrogyria with or without seizures; MICROCEPHALY, SHORT STATURE, AND POLYMICROGYRIA. Identifiers: Orphanet 468631, MedGen C3553831, MONDO:0018764, OMIM 614833.

Submission:

Women's Health and Genetics/Laboratory Corporation of America, LabCorp
Classification: Pathogenic for Microcephalic primordial dwarfism due to RTTN deficiency. Last evaluated: 2023-11-22. Review status: criteria provided, single submitter. Criteria: LabCorp Variant Classification Summary - May 2015. Collection method: clinical testing. Allele origin: germline.
Comment: Variant summary: RTTN c.5747delA (p.Glu1916GlyfsX8) results in a premature termination codon, predicted to cause a truncation of the encoded protein or absence of the protein due to nonsense mediated decay, which are commonly known mechanisms for disease. The variant was absent in 246464 control chromosomes. To our knowledge, no occurrence of c.5747delA in individuals affected with Microcephalic Primordial Dwarfism Due To RTTN Deficiency and no experimental evidence demonstrating its impact on protein function have been reported. No submitters have cited clinical-significance assessments for this variant to ClinVar after 2014. Based on the evidence outlined above, the variant was classified as pathogenic.

NM_173630.4(RTTN):c.5747del (p.Glu1916fs)

Gene: RTTN (rotatin; minus strand). Cytogenetic location: 18q22.2.
Variant type: Deletion.
Coding change: c.5747del on transcript NM_173630.4 (MANE Select); coding-DNA position 5747, one base deleted (A; older notation c.5747delA).
Protein change: p.Glu1916fs; shifts the reading frame from glutamic acid 1916.
Molecular consequence: frameshift variant.
Genome position (GRCh38, 1-based): chr18:70,028,800, T deleted on the plus strand (A on the coding strand, the reverse complement: RTTN is on the minus strand). VCF-style (leftmost placement, unchanged base first): chr18-70028799-CT-C. GRCh37 (hg19) VCF-style: chr18-67696035-CT-C.
Other names: c.3011del, p.Glu1004fs (NM_001318520.2); c.5747delA (NM_173630.4); short protein forms E1004fs, E1916fs.
Identifiers: ClinVar variation 2682264 (VCV002682264.1), dbSNP rs2511867200, ClinGen allele CA2697555578.